The following is an entry in ClinVar:

NM_006015.6(ARID1A):c.239A>G (p.Asn80Ser)

Gene: ARID1A (AT-rich interaction domain 1A; plus strand). Cytogenetic location: 1p36.11.
Variant type: single nucleotide variant.
Coding change: c.239A>G on transcript NM_006015.6 (MANE Select); coding-DNA position 239, A replaced by G.
Protein change: p.Asn80Ser; replaces asparagine 80 with serine.
Molecular consequence: missense variant.
Genome position (GRCh38, 1-based): chr1:26,696,642, A>G. VCF-style: chr1-26696642-A-G. GRCh37 (hg19) VCF-style: chr1-27023133-A-G.
Other names: c.239A>G, p.Asn80Ser (NM_139135.4); c.239A>G (LRG_875t1); short protein forms N80S.
Identifiers: ClinVar variation 434348 (VCV000434348.13), dbSNP rs1553145891, ClinGen allele CA339264700.

ClinVar aggregate classification (germline): Conflicting classifications of pathogenicity. Review status: criteria provided, conflicting classifications (1 of 4 stars). 3 submissions from 3 submitters: Uncertain significance (1); Benign (1); Likely benign (1). Last evaluated 2025-12-13.

Allele frequency attached by ClinVar (database versions not stated): gnomAD below 0.00001 and 0.00001; TOPMed below 0.00001; gnomAD exomes 0.00001.
gnomAD v4.1: 8 of 1,297,950 alleles (0.00062%); highest among the groups gnomAD compares: South Asian, 0.017%; no homozygotes.

Submissions (3):

Labcorp Genetics (formerly Invitae), Labcorp
Classification: Benign. Last evaluated: 2025-12-13. Review status: criteria provided, single submitter. Criteria: Invitae Variant Classification Sherloc (09022015). Collection method: clinical testing. Allele origin: germline.

GeneDx
Classification: Likely benign. Last evaluated: 2020-04-07. Review status: criteria provided, single submitter. Criteria: GeneDx Variant Classification Process June 2021. Collection method: clinical testing. Allele origin: germline. Affected: yes.
Comment: Not observed in large population cohorts (Lek et al., 2016); In silico analysis supports that this missense variant does not alter protein structure/function; Has not been previously published as pathogenic or benign to our knowledge

Genetic Services Laboratory, University of Chicago
Classification: Uncertain significance. Last evaluated: 2017-05-26. Review status: criteria provided, single submitter. Criteria: ACMG Guidelines, 2015. Collection method: clinical testing. Allele origin: germline. Affected: no.